The following is an entry in ClinVar:

NM_001371928.1(AHDC1):c.2324dup (p.Trp776fs)

Gene: AHDC1 (AT-hook DNA binding motif containing 1; minus strand). Cytogenetic location: 1p36.11.
Variant type: Duplication.
Coding change: c.2324dup on transcript NM_001371928.1 (MANE Select); coding-DNA position 2324, one base duplicated (G; older notation c.2324dupG).
Protein change: p.Trp776fs; shifts the reading frame from tryptophan 776.
Molecular consequence: frameshift variant.
Genome position (GRCh38, 1-based): chr1:27,549,792, C duplicated on the plus strand (G on the coding strand, the reverse complement: AHDC1 is on the minus strand); the first of 2 consecutive C bases (chr1:27,549,792-27,549,793); duplicating either gives the same sequence. VCF-style (leftmost placement, unchanged base first): chr1-27549791-G-GC. GRCh37 (hg19) VCF-style: chr1-27876302-G-GC.
Other names: c.2324dup, p.Trp776fs (NM_001029882.3); short protein forms W776fs.
Identifiers: ClinVar variation 3376418 (VCV003376418.1).
Genomic context (GRCh38, chr1:27,549,791, plus strand): 5'-CCCCTGAAACCCACAGTTTCGGCCAGCTTGTCCGCCTGGGTGCCCATGGTGAGGGGCCCA[G>GC]CCACCACCCTTATCCCCGGCCCACTCAGCACCTGCCTCCCCAAAGCCTGGGCCACTGGGC-3'

ClinVar aggregate classification (germline): Pathogenic (1 of 4 stars; one submission).

Conditions:
AHDC1-related intellectual disability - obstructive sleep apnea - mild dysmorphism syndrome. Also called: Xia-Gibbs syndrome. Identifiers: Orphanet 412069, MedGen C4014419, MONDO:0014358, OMIM 615829.

Submission:

Pittsburgh Clinical Genomics Laboratory, University of Pittsburgh Medical Center
Classification: Pathogenic for AHDC1-related intellectual disability - obstructive sleep apnea - mild dysmorphism syndrome. Last evaluated: 2024-06-11. Review status: criteria provided, single submitter. Criteria: ACMG Guidelines, 2015. Collection method: clinical testing. Allele origin: germline. Inheritance: Autosomal dominant inheritance. Affected: yes.
Comment: This sequence variant is a single nucleotide duplication (dupG) in exon 8 of 9 in AHDC1 that results in an early termination signal 73 codons downstream of the frameshift introduced at codon Trp776. This variant is predicted to generate a non-functional allele through the expression of a truncated protein. The protein resulting from this variant is expected to lack the PDZ domain necessary for AT-hook DNA-binding motif–containing protein 1 function (PMID: 27148574). This novel variant is absent from ClinVar, the published literature, and the gnomAD population database v4.1.0 (0 of approximately 1,600,000 alleles). To our knowledge, this variant has not been observed in an individual affected by an AHDC1-related disorder in the published literature. However other AHDC1 truncating variants have been observed in individuals with Xia-Gibbs syndrome and haploinsufficiency in AHDC1 is a known mechanism of disease (PMID: 24791903, 27148574, 29230160). Based upon the evidence, we consider this variant to be pathogenic. ACMG Criteria: PM2, PS2, PVS1

Literature cited by the submitters: PubMed 27148574; PubMed 29230160; PubMed 24791903.